The following is an entry in ClinVar:

ClinVar aggregate classification (germline): Uncertain significance (1 of 4 stars; one submission).

Conditions:
Tay-Sachs disease (TSD). Also called: GM2 gangliosidosis, type 1; Hexosaminidase alpha-subunit deficiency (variant B); Sphingolipidosis, Tay-Sachs; Hexosaminidase A Deficiency; HEXA DEFICIENCY; HEXA Disorders. Identifiers: Orphanet 845, MedGen C0039373, MONDO:0010100, OMIM 272800.

Allele frequency attached by ClinVar (database versions not stated): gnomAD exomes below 0.00001; gnomAD 0.00001; TOPMed 0.00001.
gnomAD v4.1: 2 of 1,613,818 alleles (0.00012%); highest among the groups gnomAD compares: African/African-American, 0.0013%; no homozygotes.

Submission:

Labcorp Genetics (formerly Invitae), Labcorp
Classification: Uncertain significance for Tay-Sachs disease. Last evaluated: 2021-08-26. Review status: criteria provided, single submitter. Criteria: Invitae Variant Classification Sherloc (09022015). Collection method: clinical testing. Allele origin: germline.
Comment: This sequence change replaces threonine with isoleucine at codon 303 of the HEXA protein (p.Thr303Ile). The threonine residue is weakly conserved and there is a moderate physicochemical difference between threonine and isoleucine. This variant is not present in population databases (ExAC no frequency). This variant has not been reported in the literature in individuals affected with HEXA-related conditions. Algorithms developed to predict the effect of missense changes on protein structure and function (SIFT, PolyPhen-2, Align-GVGD) all suggest that this variant is likely to be tolerated. In summary, the available evidence is currently insufficient to determine the role of this variant in disease. Therefore, it has been classified as a Variant of Uncertain Significance.

NM_000520.6(HEXA):c.908C>T (p.Thr303Ile)

Gene: HEXA (hexosaminidase subunit alpha; minus strand). Cytogenetic location: 15q23.
Variant type: single nucleotide variant.
Coding change: c.908C>T on transcript NM_000520.6 (MANE Select); coding-DNA position 908, C replaced by T.
Protein change: p.Thr303Ile; replaces threonine 303 with isoleucine.
Molecular consequence: missense variant. On other transcripts: non-coding transcript variant (1).
Genome position (GRCh38, 1-based): chr15:72,349,157, G>A on the plus strand (C>T on the coding strand, the complement: HEXA is on the minus strand). VCF-style: chr15-72349157-G-A. GRCh37 (hg19) VCF-style: chr15-72641498-G-A.
Other names: c.941C>T, p.Thr314Ile (NM_001318825.2); short protein forms T303I, T314I.
Identifiers: ClinVar variation 2168962 (VCV002168962.1), dbSNP rs1181164048, ClinGen allele CA393062415.